The following is an entry in ClinVar:

ClinVar aggregate classification (germline): Uncertain significance. Review status: criteria provided, multiple submitters, no conflicts (2 of 4 stars). 2 submissions from 2 submitters: Uncertain significance (2). Last evaluated 2025-01-03.

Conditions:
Inborn genetic diseases. Identifiers: MedGen C0950123, MeSH D030342.
Baller-Gerold syndrome (BGS). Also called: CRANIOSYNOSTOSIS WITH RADIAL DEFECTS. Identifiers: Orphanet 1225, MedGen C0265308, MONDO:0009039, OMIM 218600.

Submissions (2):

Ambry Genetics
Classification: Uncertain significance for Inborn genetic diseases. Last evaluated: 2025-01-03. Review status: criteria provided, single submitter. Criteria: Ambry Variant Classification Scheme 2023. Collection method: clinical testing. Allele origin: germline.
Comment: The p.P149A variant (also known as c.445C>G), located in coding exon 5 of the RECQL4 gene, results from a C to G substitution at nucleotide position 445. The proline at codon 149 is replaced by alanine, an amino acid with highly similar properties. This amino acid position is conserved. In addition, this alteration is predicted to be tolerated by in silico analysis. Based on the available evidence, the clinical significance of this variant remains unclear.

Labcorp Genetics (formerly Invitae), Labcorp
Classification: Uncertain significance for Baller-Gerold syndrome. Last evaluated: 2022-10-20. Review status: criteria provided, single submitter. Criteria: Invitae Variant Classification Sherloc (09022015). Collection method: clinical testing. Allele origin: germline.
Comment: Advanced modeling of protein sequence and biophysical properties (such as structural, functional, and spatial information, amino acid conservation, physicochemical variation, residue mobility, and thermodynamic stability) performed at Invitae indicates that this missense variant is not expected to disrupt RECQL4 protein function. This sequence change replaces proline, which is neutral and non-polar, with alanine, which is neutral and non-polar, at codon 149 of the RECQL4 protein (p.Pro149Ala). This variant is not present in population databases (gnomAD no frequency). This variant has not been reported in the literature in individuals affected with RECQL4-related conditions. ClinVar contains an entry for this variant (Variation ID: 1009638). Algorithms developed to predict the effect of sequence changes on RNA splicing suggest that this variant may disrupt the consensus splice site. In summary, the available evidence is currently insufficient to determine the role of this variant in disease. Therefore, it has been classified as a Variant of Uncertain Significance.

NM_004260.4(RECQL4):c.445C>G (p.Pro149Ala)

Gene: RECQL4 (RecQ like helicase 4; minus strand). Cytogenetic location: 8q24.3.
Variant type: single nucleotide variant.
Coding change: c.445C>G on transcript NM_004260.4 (MANE Select); coding-DNA position 445, C replaced by G.
Protein change: p.Pro149Ala; replaces proline 149 with alanine.
Molecular consequence: missense variant.
Genome position (GRCh38, 1-based): chr8:144,516,674, G>C on the plus strand (C>G on the coding strand, the complement: RECQL4 is on the minus strand). VCF-style: chr8-144516674-G-C. GRCh37 (hg19) VCF-style: chr8-145742058-G-C.
Other names: c.445C>G (NM_004260.3); short protein forms P149A.
Identifiers: ClinVar variation 1009638 (VCV001009638.6), dbSNP rs766844431, ClinGen allele CA372691459.
Genomic context (GRCh38, chr8:144,516,674, plus strand): 5'-GCCTTGGCTGGGGCTCAGGGAGCTGTGGAGGCTCATCACTGACTTTTTCTGCAAAGGAGG[G>C]GACAGGCCCTGTACCTGGGGGCTTTGGGGTGGATGCCTTAGATGAGGCTCTTCCTAGAGG-3'
Protein context (NP_004251.4, residues 139-159): TPKPPGTGPV[Pro149Ala]SFAEKVSDEP